The following is an entry in ClinVar:

NM_030632.3(ASXL3):c.4787C>T (p.Thr1596Ile)

Gene: ASXL3 (ASXL transcriptional regulator 3; plus strand). Cytogenetic location: 18q12.1.
Variant type: single nucleotide variant.
Coding change: c.4787C>T on transcript NM_030632.3 (MANE Select); coding-DNA position 4787, C replaced by T.
Protein change: p.Thr1596Ile; replaces threonine 1596 with isoleucine.
Molecular consequence: missense variant.
Genome position (GRCh38, 1-based): chr18:33,744,635, C>T. VCF-style: chr18-33744635-C-T. GRCh37 (hg19) VCF-style: chr18-31324599-C-T.
Other names: short protein forms T1596I.
Identifiers: ClinVar variation 4589732 (VCV004589732.3).

ClinVar aggregate classification (germline): Uncertain significance. Review status: criteria provided, multiple submitters, no conflicts (2 of 4 stars). 2 submissions from 2 submitters: Uncertain significance (2). Last evaluated 2026-03-27.

Conditions:
Inborn genetic diseases. Identifiers: MedGen C0950123, MeSH D030342.

gnomAD v4.1: 2 of 1,606,826 alleles (0.00012%); highest among the groups gnomAD compares: Non-Finnish European, 0.00017%; no homozygotes.

Submissions (2):

Dasa
Classification: Uncertain significance. Last evaluated: 2026-03-27. Review status: criteria provided, single submitter. Criteria: DASA Assertion Criteria. Collection method: clinical testing. Allele origin: germline.
Comment: NM_030632.3(ASXL3):c.4787C>T (p.Thr1596Ile) is a missense variant that results in the substitution of threonine with isoleucine. This variant is rare in population databases. Computational prediction algorithms are consistent with a benign effect. The currently available literature and clinical evidence are not sufficient to establish a definitive association between this variant and the reported condition. Therefore, this variant is classified as a variant of uncertain significance.

Ambry Genetics
Classification: Uncertain significance for Inborn genetic diseases. Last evaluated: 2025-12-09. Review status: criteria provided, single submitter. Criteria: Ambry Variant Classification Scheme 2023. Collection method: clinical testing. Allele origin: germline.